The following is an entry in ClinVar:

NM_021224.6(ZNF462):c.5971G>A (p.Val1991Ile)

Gene: ZNF462 (zinc finger protein 462; plus strand). Cytogenetic location: 9q31.2.
Variant type: single nucleotide variant.
Coding change: c.5971G>A on transcript NM_021224.6 (MANE Select); coding-DNA position 5971, G replaced by A.
Protein change: p.Val1991Ile; replaces valine 1991 with isoleucine.
Molecular consequence: missense variant.
Genome position (GRCh38, 1-based): chr9:106,930,648, G>A. VCF-style: chr9-106930648-G-A. GRCh37 (hg19) VCF-style: chr9-109692929-G-A.
Other names: c.3376G>A, p.Val1126Ile (NM_001347997.2); short protein forms V1126I, V1991I.
Identifiers: ClinVar variation 2473704 (VCV002473704.2), dbSNP rs990572990, ClinGen allele CA197493215.
Genomic context (GRCh38, chr9:106,930,648, plus strand): 5'-AAATTCTGTGTGGAAGTGCACCCAACGCTCCGAGCCATCTGCAATCACCTCCGAAAGCAC[G>A]TCCAGTATGGCAATGTCCCAGCTGTGTCAGCTGCTGTGAAGGTGAGAACTGGAAGGTCTG-3'
Protein context (NP_067047.4, residues 1981-2001): RAICNHLRKH[Val1991Ile]QYGNVPAVSA

ClinVar aggregate classification (germline): Uncertain significance (1 of 4 stars; one submission).

Conditions:
Inborn genetic diseases. Identifiers: MedGen C0950123, MeSH D030342.

Allele frequency attached by ClinVar (database versions not stated): gnomAD exomes 0.00001; TOPMed 0.00001; gnomAD 0.00002.
gnomAD v4.1: 11 of 1,614,034 alleles (0.00068%); highest among the groups gnomAD compares: Admixed American, 0.005%; no homozygotes.

Submission:

Ambry Genetics
Classification: Uncertain significance for Inborn genetic diseases. Last evaluated: 2023-01-10. Review status: criteria provided, single submitter. Criteria: Ambry Variant Classification Scheme 2023. Collection method: clinical testing. Allele origin: germline.
Comment: The c.5971G>A (p.V1991I) alteration is located in exon 4 (coding exon 3) of the ZNF462 gene. This alteration results from a G to A substitution at nucleotide position 5971, causing the valine (V) at amino acid position 1991 to be replaced by an isoleucine (I). Based on data from gnomAD, the A allele has an overall frequency of 0.001% (4/282852) total alleles studied. The highest observed frequency was 0.006% (2/35438) of Latino alleles. This amino acid position is highly conserved in available vertebrate species. This alteration is predicted to be tolerated by in silico analysis. Based on insufficient or conflicting evidence, the clinical significance of this alteration remains unclear.